The following is an entry in ClinVar:

ClinVar aggregate classification (germline): Benign (1 of 4 stars; one submission).

Allele frequency attached by ClinVar (database versions not stated): gnomAD 0.12586 and 0.12656.

Submission:

GeneDx
Classification: Benign. Last evaluated: 2018-06-18. Review status: criteria provided, single submitter. Criteria: GeneDx Variant Classification (06012015). Collection method: clinical testing. Allele origin: germline. Affected: yes.
Comment: This variant is considered likely benign or benign based on one or more of the following criteria: it is a conservative change, it occurs at a poorly conserved position in the protein, it is predicted to be benign by multiple in silico algorithms, and/or has population frequency not consistent with disease.

NM_020822.3(KCNT1):c.1510+163_1510+202del

Gene: KCNT1 (potassium sodium-activated channel subfamily T member 1; plus strand). Cytogenetic location: 9q34.3.
Variant type: Deletion.
Coding change: c.1510+163_1510+202del on transcript NM_020822.3 (MANE Select); bases 163 to 202 of the intron after coding-DNA position 1510, 40 bases deleted.
Molecular consequence: intron variant.
Genome position (GRCh38, 1-based): chr9:135,769,100-135,769,139, 40 bases deleted. GRCh37 (hg19): chr9:138,660,946-138,660,985.
Other names: c.1375+163_1375+202del (NM_001272003.2).
Identifiers: ClinVar variation 676671 (VCV000676671.1), dbSNP rs1564368213, ClinGen allele CA591145299.